The following is an entry in ClinVar:

NM_000069.3(CACNA1S):c.1084G>A (p.Asp362Asn)

Gene: CACNA1S (calcium voltage-gated channel subunit alpha1 S; minus strand). Cytogenetic location: 1q32.1.
Variant type: single nucleotide variant.
Coding change: c.1084G>A on transcript NM_000069.3 (MANE Select); coding-DNA position 1084, G replaced by A.
Protein change: p.Asp362Asn; replaces aspartic acid 362 with asparagine.
Molecular consequence: missense variant.
Genome position (GRCh38, 1-based): chr1:201,085,502, C>T on the plus strand (G>A on the coding strand, the complement: CACNA1S is on the minus strand). VCF-style: chr1-201085502-C-T. GRCh37 (hg19) VCF-style: chr1-201054630-C-T.
Other names: short protein forms D362N.
Identifiers: ClinVar variation 2923055 (VCV002923055.3), dbSNP rs2464599131, ClinGen allele CA344129446.

ClinVar aggregate classification (germline): Uncertain significance (1 of 4 stars; one submission).

Conditions:
Malignant hyperthermia, susceptibility to, 5 (MHS5). Also called: CACNA1S-Related Malignant Hyperthermia Susceptibility. Identifiers: Orphanet 423, MedGen C1866077, MONDO:0011163, OMIM 601887.
Hypokalemic periodic paralysis, type 1. Also called: Hypokalemic Periodic Paralysis Type 1 (AD); HypoPP. Identifiers: Orphanet 681, MedGen C3714580, MONDO:0042979, OMIM 170400.

Submission:

Labcorp Genetics (formerly Invitae), Labcorp
Classification: Uncertain significance for Hypokalemic periodic paralysis, type 1; Malignant hyperthermia, susceptibility to, 5. Last evaluated: 2023-06-20. Review status: criteria provided, single submitter. Criteria: Invitae Variant Classification Sherloc (09022015). Collection method: clinical testing. Allele origin: germline.
Comment: In summary, the available evidence is currently insufficient to determine the role of this variant in disease. Therefore, it has been classified as a Variant of Uncertain Significance. Advanced modeling of protein sequence and biophysical properties (such as structural, functional, and spatial information, amino acid conservation, physicochemical variation, residue mobility, and thermodynamic stability) has been performed at Invitae for this missense variant, however the output from this modeling did not meet the statistical confidence thresholds required to predict the impact of this variant on CACNA1S protein function. This variant has not been reported in the literature in individuals affected with CACNA1S-related conditions. This variant is not present in population databases (gnomAD no frequency). This sequence change replaces aspartic acid, which is acidic and polar, with asparagine, which is neutral and polar, at codon 362 of the CACNA1S protein (p.Asp362Asn).